The following is an entry in ClinVar:

ClinVar aggregate classification (germline): Uncertain significance (1 of 4 stars; one submission).

Conditions:
SEMA3C-related disorder. Also called: SEMA3C-related condition.

gnomAD v4.1: 4 of 1,614,036 alleles (0.00025%); highest among the groups gnomAD compares: African/African-American, 0.0013%; no homozygotes.

Submission:

PreventionGenetics, part of Exact Sciences
Classification: Uncertain significance for SEMA3C-related condition. Last evaluated: 2024-12-11. Review status: criteria provided, single submitter. Criteria: ACMG Guidelines, 2015. Collection method: clinical testing. Allele origin: germline.
Comment: The SEMA3C c.2053G>A variant is predicted to result in the amino acid substitution p.Val685Met. To our knowledge, this variant has not been reported in the literature or in a large population database (gnomAD), indicating this variant is rare. At this time, the clinical significance of this variant is uncertain due to the absence of conclusive functional and genetic evidence.

NM_006379.5(SEMA3C):c.1999G>A (p.Val667Met)

Gene: SEMA3C (semaphorin 3C; minus strand). Cytogenetic location: 7q21.11.
Variant type: single nucleotide variant.
Coding change: c.1999G>A on transcript NM_006379.5 (MANE Select); coding-DNA position 1999, G replaced by A.
Protein change: p.Val667Met; replaces valine 667 with methionine.
Molecular consequence: missense variant.
Genome position (GRCh38, 1-based): chr7:80,745,151, C>T on the plus strand (G>A on the coding strand, the complement: SEMA3C is on the minus strand). VCF-style: chr7-80745151-C-T. GRCh37 (hg19) VCF-style: chr7-80374467-C-T.
Other names: c.2053G>A, p.Val685Met (NM_001350120.2); c.1825G>A, p.Val609Met (NM_001350121.2); short protein forms V667M, V609M, V685M.
Identifiers: ClinVar variation 4990057 (VCV004990057.1).